The following is an entry in ClinVar:

ClinVar aggregate classification (germline): Benign/Likely benign. Review status: criteria provided, multiple submitters, no conflicts (2 of 4 stars). 10 submissions from 10 submitters: Benign (7); Likely benign (1). 2 of the submissions do not count toward it. Last evaluated 2026-09-01.

Conditions:
Pseudohypoaldosteronism type 2C (PHA2C). Also called: Pseudohypoaldosteronism Type IIC. Identifiers: Orphanet 757, Orphanet 88940, MedGen C1840391, MONDO:0013778, OMIM 614492.
Neuropathy, hereditary sensory and autonomic, type 2A (HSAN2A). Also called: HSAN IIA; ACROOSTEOLYSIS, GIACCAI TYPE; ACROOSTEOLYSIS, NEUROGENIC; MORVAN DISEASE; NEUROPATHY, CONGENITAL SENSORY; NEUROPATHY, HEREDITARY SENSORY RADICULAR, AUTOSOMAL RECESSIVE. Identifiers: Orphanet 970, MedGen C2752089, MONDO:0024309, OMIM 201300.

Allele frequency attached by ClinVar (database versions not stated): gnomAD 0.00870 and 0.01060; TOPMed 0.00888; ESP Exome Variant Server 0.00969; gnomAD exomes 0.01299 and 0.01649; ExAC 0.01673; 1000 Genomes Project 0.02196; 1000 Genomes Project 30x 0.02233.
gnomAD v4.1: 20,865 of 1,614,040 alleles (1.3%); highest among the groups gnomAD compares: South Asian, 4.8%; 253 homozygotes.

Submissions (10):

CeGaT Center for Human Genetics Tuebingen
Classification: Benign. Last evaluated: 2026-09-01. Review status: criteria provided, single submitter. Criteria: CeGaT Center For Human Genetics Tuebingen Variant Classification Criteria Version 2. Collection method: clinical testing. Allele origin: germline. Affected: yes. Observed: 43 variant alleles.
Comment: WNK1: BP4, BS1, BS2

Labcorp Genetics (formerly Invitae), Labcorp
Classification: Benign for Neuropathy, hereditary sensory and autonomic, type 2A; Pseudohypoaldosteronism type 2C. Last evaluated: 2026-02-02. Review status: criteria provided, single submitter. Criteria: Invitae Variant Classification Sherloc (09022015). Collection method: clinical testing. Allele origin: germline.

ARUP Laboratories, Molecular Genetics and Genomics, ARUP Laboratories
Classification: Benign. Last evaluated: 2025-06-05. Review status: criteria provided, single submitter. Criteria: ARUP Molecular Germline Variant Investigation Process 2024. Collection method: clinical testing. Allele origin: germline.

Blueprint Genetics
Classification: Likely benign. Last evaluated: 2024-11-27. Review status: criteria provided, single submitter. Criteria: ACMG Guidelines, 2015. Collection method: clinical testing. Allele origin: germline.

Mayo Clinic Laboratories, Mayo Clinic
Classification: Benign. Last evaluated: 2023-04-10. Review status: criteria provided, single submitter. Criteria: ACMG Guidelines, 2015. Collection method: clinical testing. Allele origin: germline. Observed: 45 variant alleles.
Comment: BS1, BS2, BP4

Illumina Laboratory Services, Illumina
Classification: Benign for Pseudohypoaldosteronism type 2C. Last evaluated: 2018-01-13. Review status: criteria provided, single submitter. Criteria: ICSL Variant Classification Criteria 13 December 2019. Collection method: clinical testing. Allele origin: germline.
Comment: This variant was observed in the ICSL laboratory as part of a predisposition screen in an ostensibly healthy population. It had not been previously curated by ICSL or reported in the Human Gene Mutation Database (HGMD: prior to June 1st, 2018), and was therefore a candidate for classification through an automated scoring system. Utilizing variant allele frequency, disease prevalence and penetrance estimates, and inheritance mode, an automated score was calculated to assess if this variant is too frequent to cause the disease. Based on the score and internal cut-off values, a variant classified as benign is not then subjected to further curation. The score for this variant resulted in a classification of benign for this disease.

Athena Diagnostics
Classification: Benign. Last evaluated: 2017-09-29. Review status: criteria provided, single submitter. Criteria: Athena Diagnostics Criteria. Collection method: clinical testing. Allele origin: germline.

Breakthrough Genomics
Classification: Benign. Review status: criteria provided, single submitter. Criteria: ACMG Guidelines, 2015. Collection method: not provided. Allele origin: germline. Inheritance: Autosomal recessive inheritance. Affected: yes.

Clinical Genetics, Academic Medical Center
Classification: Likely benign. Review status: no assertion criteria provided. Collection method: clinical testing. Allele origin: germline. Affected: yes. Study: VKGL Data-share Consensus. Not counted in ClinVar's aggregate classification.

Genome Diagnostics Laboratory, University Medical Center Utrecht
Classification: Benign. Review status: no assertion criteria provided. Collection method: clinical testing. Allele origin: germline. Affected: yes. Study: VKGL Data-share Consensus. Not counted in ClinVar's aggregate classification.

NM_018979.4(WNK1):c.5468C>T (p.Pro1823Leu)

Gene: WNK1 (WNK lysine deficient protein kinase 1; plus strand). Cytogenetic location: 12p13.33.
Variant type: single nucleotide variant.
Coding change: c.5468C>T on transcript NM_018979.4 (MANE Select); coding-DNA position 5468, C replaced by T.
Protein change: p.Pro1823Leu; replaces proline 1823 with leucine.
Molecular consequence: missense variant.
Genome position (GRCh38, 1-based): chr12:890,472, C>T. VCF-style: chr12-890472-C-T. GRCh37 (hg19) VCF-style: chr12-999638-C-T.
Other names: c.6248C>T, p.Pro2083Leu (NM_001184985.2); c.4727C>T, p.Pro1576Leu (NM_014823.3); c.6224C>T, p.Pro2075Leu (NM_213655.5); short protein forms P2075L, P1823L, P2083L, P1576L.
Identifiers: ClinVar variation 310836 (VCV000310836.57), dbSNP rs17755373, ClinGen allele CA6383198.